The following is an entry in ClinVar:

ClinVar aggregate classification (germline): Uncertain significance (1 of 4 stars; one submission).

Conditions:
Episodic ataxia type 2 (EA2). Also called: CEREBELLAR ATAXIA, PAROXYSMAL, ACETAZOLAMIDE-RESPONSIVE; CEREBELLOPATHY, HEREDITARY PAROXYSMAL; EPISODIC ATAXIA, NYSTAGMUS-ASSOCIATED; ACETAZOLAMIDE-RESPONSIVE HEREDITARY PAROXYSMAL CEREBELLAR ATAXIA; ATAXIA, EPISODIC, WITH NYSTAGMUS; ATAXIA, FAMILIAL PAROXYSMAL. Identifiers: Orphanet 97, MedGen C1720416, MONDO:0007163, OMIM 108500.
Developmental and epileptic encephalopathy, 42 (DEE42A). Also called: Epileptic encephalopathy, early infantile, 42; DEVELOPMENTAL AND EPILEPTIC ENCEPHALOPATHY 42A; EPILEPTIC ENCEPHALOPATHY, EARLY INFANTILE, 42A. Identifiers: MedGen C4310716, MONDO:0014917, OMIM 617106.

Submission:

Labcorp Genetics (formerly Invitae), Labcorp
Classification: Uncertain significance for Developmental and epileptic encephalopathy, 42; Episodic ataxia type 2. Last evaluated: 2023-04-06. Review status: criteria provided, single submitter. Criteria: Invitae Variant Classification Sherloc (09022015). Collection method: clinical testing. Allele origin: germline.
Comment: Advanced modeling of protein sequence and biophysical properties (such as structural, functional, and spatial information, amino acid conservation, physicochemical variation, residue mobility, and thermodynamic stability) has been performed at Invitae for this missense variant, however the output from this modeling did not meet the statistical confidence thresholds required to predict the impact of this variant on CACNA1A protein function. In summary, the available evidence is currently insufficient to determine the role of this variant in disease. Therefore, it has been classified as a Variant of Uncertain Significance. This variant has not been reported in the literature in individuals affected with CACNA1A-related conditions. This variant is not present in population databases (gnomAD no frequency). This sequence change replaces phenylalanine, which is neutral and non-polar, with leucine, which is neutral and non-polar, at codon 628 of the CACNA1A protein (p.Phe628Leu).

NM_001127222.2(CACNA1A):c.1881C>G (p.Phe627Leu)

Gene: CACNA1A (calcium voltage-gated channel subunit alpha1 A; minus strand). Cytogenetic location: 19p13.13.
Variant type: single nucleotide variant.
Coding change: c.1881C>G on transcript NM_001127222.2 (MANE Select); coding-DNA position 1881, C replaced by G.
Protein change: p.Phe627Leu; replaces phenylalanine 627 with leucine.
Molecular consequence: missense variant.
Genome position (GRCh38, 1-based): chr19:13,308,152, G>C on the plus strand (C>G on the coding strand, the complement: CACNA1A is on the minus strand). VCF-style: chr19-13308152-G-C. GRCh37 (hg19) VCF-style: chr19-13418966-G-C.
Other names: c.1884C>G, p.Phe628Leu (NM_000068.4, NM_001127221.2, NM_001174080.2 and 1 more transcripts); short protein forms F628L, F627L.
Identifiers: ClinVar variation 2946155 (VCV002946155.3), dbSNP rs371268760, ClinGen allele CA404344779.